The following is an entry in ClinVar:

NM_005751.5(AKAP9):c.6676G>A (p.Val2226Ile)

Gene: AKAP9 (A-kinase anchoring protein 9; plus strand). Cytogenetic location: 7q21.2.
Variant type: single nucleotide variant.
Coding change: c.6676G>A on transcript NM_005751.5 (MANE Select); coding-DNA position 6676, G replaced by A.
Protein change: p.Val2226Ile; replaces valine 2226 with isoleucine.
Molecular consequence: missense variant.
Genome position (GRCh38, 1-based): chr7:92,076,918, G>A. VCF-style: chr7-92076918-G-A. GRCh37 (hg19) VCF-style: chr7-91706232-G-A.
Other names: c.1321G>A, p.Val441Ile (NM_001379277.1); c.6652G>A, p.Val2218Ile (NM_147185.3); short protein forms V2218I, V2226I, V441I.
Identifiers: ClinVar variation 1005329 (VCV001005329.13), dbSNP rs561591139, ClinGen allele CA4337143.

ClinVar aggregate classification (germline): Conflicting classifications of pathogenicity. Review status: criteria provided, conflicting classifications (1 of 4 stars). 3 submissions from 3 submitters: Uncertain significance (2); Benign (1). Last evaluated 2025-07-14.

Conditions:
Cardiovascular phenotype. Identifiers: MedGen CN230736.
Long QT syndrome 11 (LQT11). Identifiers: Orphanet 101016, Orphanet 768, MedGen C2678483, MONDO:0012738, OMIM 611820.
Long QT syndrome (LQTS). Identifiers: MedGen C0023976, MeSH D008133, MONDO:0002442. Disease mechanism: loss of function. Inheritance: Various modes of inheritance.

Allele frequency attached by ClinVar (database versions not stated): gnomAD exomes 0.00001 and 0.00004; ExAC 0.00005; TOPMed 0.00009; gnomAD 0.00011; 1000 Genomes Project 30x 0.00031; 1000 Genomes Project 0.00040.
gnomAD v4.1: 25 of 1,545,500 alleles (0.0016%); highest among the groups gnomAD compares: African/African-American, 0.033%; no homozygotes.

Submissions (3):

Labcorp Genetics (formerly Invitae), Labcorp
Classification: Uncertain significance for Long QT syndrome. Last evaluated: 2025-07-14. Review status: criteria provided, single submitter. Criteria: Invitae Variant Classification Sherloc (09022015). Collection method: clinical testing. Allele origin: germline.
Comment: This sequence change replaces valine, which is neutral and non-polar, with isoleucine, which is neutral and non-polar, at codon 2226 of the AKAP9 protein (p.Val2226Ile). This variant is present in population databases (rs561591139, gnomAD 0.04%). This variant has not been reported in the literature in individuals affected with AKAP9-related conditions. ClinVar contains an entry for this variant (Variation ID: 1005329). An algorithm developed to predict the effect of missense changes on protein structure and function (PolyPhen-2) suggests that this variant is likely to be disruptive. In summary, the available evidence is currently insufficient to determine the role of this variant in disease. Therefore, it has been classified as a Variant of Uncertain Significance.

Ambry Genetics
Classification: Benign for Cardiovascular phenotype. Last evaluated: 2024-07-24. Review status: criteria provided, single submitter. Criteria: Ambry Variant Classification Scheme 2023. Collection method: clinical testing. Allele origin: germline.

Fulgent Genetics
Classification: Uncertain significance for Long QT syndrome 11. Last evaluated: 2021-09-20. Review status: criteria provided, single submitter. Criteria: ACMG Guidelines, 2015. Collection method: clinical testing. Allele origin: unknown.